The following is an entry in ClinVar:

ClinVar aggregate classification (germline): Uncertain significance (1 of 4 stars; one submission).

Conditions:
Inborn genetic diseases. Identifiers: MedGen C0950123, MeSH D030342.

gnomAD v4.1: 1 of 1,555,086 alleles (0.000064%); highest among the groups gnomAD compares: Non-Finnish European, 0.000086%; no homozygotes.

Submission:

Ambry Genetics
Classification: Uncertain significance for Inborn genetic diseases. Last evaluated: 2026-02-16. Review status: criteria provided, single submitter. Criteria: Ambry Variant Classification Scheme 2023. Collection method: clinical testing. Allele origin: germline.
Comment: The p.H33L variant (also known as c.98A>T), located in coding exon 1 of the SH2B3 gene, results from an A to T substitution at nucleotide position 98. The histidine at codon 33 is replaced by leucine, an amino acid with similar properties. This amino acid position is conserved. In addition, this alteration is predicted to be deleterious by in silico analysis. Based on the available evidence, the clinical significance of this variant remains unclear.

NM_005475.3(SH2B3):c.98A>T (p.His33Leu)

Gene: SH2B3 (SH2B adaptor protein 3; plus strand). Cytogenetic location: 12q24.12.
Variant type: single nucleotide variant.
Coding change: c.98A>T on transcript NM_005475.3 (MANE Select); coding-DNA position 98, A replaced by T.
Protein change: p.His33Leu; replaces histidine 33 with leucine.
Molecular consequence: missense variant.
Genome position (GRCh38, 1-based): chr12:111,418,243, A>T. VCF-style: chr12-111418243-A-T. GRCh37 (hg19) VCF-style: chr12-111856047-A-T.
Other names: short protein forms H33L.
Identifiers: ClinVar variation 4824366 (VCV004824366.1).